The following is an entry in ClinVar:

ClinVar aggregate classification (germline): Conflicting classifications of pathogenicity. Review status: criteria provided, conflicting classifications (1 of 4 stars). 3 submissions from 3 submitters: Uncertain significance (1); Benign (1); Likely benign (1). Last evaluated 2025-12-15.

Conditions:
POLE2-related disorder. Also called: POLE2-related condition.

Allele frequency attached by ClinVar (database versions not stated): gnomAD exomes 0.00007 and 0.00022; ExAC 0.00028; 1000 Genomes Project 30x 0.00047; ESP Exome Variant Server 0.00048; 1000 Genomes Project 0.00060; TOPMed 0.00067; gnomAD 0.00071 and 0.00077.
gnomAD v4.1: 202 of 1,488,452 alleles (0.014%); highest among the groups gnomAD compares: African/African-American, 0.22%; no homozygotes.

Submissions (3):

Labcorp Genetics (formerly Invitae), Labcorp
Classification: Benign. Last evaluated: 2025-12-15. Review status: criteria provided, single submitter. Criteria: Invitae Variant Classification Sherloc (09022015). Collection method: clinical testing. Allele origin: germline.

PreventionGenetics, part of Exact Sciences
Classification: Uncertain significance for POLE2-related condition. Last evaluated: 2025-02-24. Review status: criteria provided, single submitter. Criteria: ACMG Guidelines, 2015. Collection method: clinical testing. Allele origin: germline.
Comment: The POLE2 c.1053A>G variant is not predicted to result in an amino acid change (p.=). This variant is predicted to alter splicing based on available splicing prediction programs (SpliceAI, Jaganathan et al. 2019. PubMed ID: 30661751). However, the use of computer prediction programs is not equivalent to functional evidence. To our knowledge, this variant has not been reported in the literature. This variant is reported in 0.23% of alleles in individuals of African descent in gnomAD. Of note, no homozygous individuals have been reported in gnomAD. Although we suspect that this variant may be benign, at this time, the clinical significance of this variant is uncertain due to the absence of conclusive functional and genetic evidence.

Blueprint Genetics
Classification: Likely benign. Last evaluated: 2023-02-23. Review status: criteria provided, single submitter. Criteria: ACMG Guidelines, 2015. Collection method: clinical testing. Allele origin: germline.

NM_002692.4(POLE2):c.1053A>G (p.Glu351=)

Gene: POLE2 (DNA polymerase epsilon 2, accessory subunit; minus strand). Cytogenetic location: 14q21.3.
Variant type: single nucleotide variant.
Coding change: c.1053A>G on transcript NM_002692.4 (MANE Select); coding-DNA position 1053, A replaced by G.
Protein change: p.Glu351=; no amino-acid change (glutamic acid 351 retained).
Molecular consequence: synonymous variant.
Genome position (GRCh38, 1-based): chr14:49,654,804, T>C on the plus strand (A>G on the coding strand, the complement: POLE2 is on the minus strand). VCF-style: chr14-49654804-T-C. GRCh37 (hg19) VCF-style: chr14-50121522-T-C.
Other names: c.975A>G, p.Glu325= (NM_001197330.2); c.1053A>G, p.Glu351= (NM_001197331.3, NM_001348384.2); c.822A>G, p.Glu274= (NM_001348385.2); c.1053A>G (NM_002692.3).
Identifiers: ClinVar variation 1574623 (VCV001574623.10), dbSNP rs149410998, ClinGen allele CA7173395.
Genomic context (GRCh38, chr14:49,654,804, plus strand): 5'-GTAAAACGGTGAAAAAATATATAGTGCTAGAGATCATTACCTTTGGTGAATATCTGGGTA[T>C]TCACATATTATATCTGCCAAAGTTTTTAGGGAATCTAAAATTTTAAAAAGGTATTGAATT-3'
Protein context (NP_002683.2, residues 341-361): SLKTLADIIC[Glu351=]YPDIHQSSRF